The following is an entry in ClinVar:

ClinVar aggregate classification (germline): Conflicting classifications of pathogenicity. Review status: criteria provided, conflicting classifications (1 of 4 stars). 2 submissions from 2 submitters: Uncertain significance (1); Likely benign (1). Last evaluated 2025-10-01.

Conditions:
Inborn genetic diseases. Identifiers: MedGen C0950123, MeSH D030342.

Allele frequency attached by ClinVar (database versions not stated): ExAC 0.00001; gnomAD 0.00001 and 0.00002; gnomAD exomes 0.00001 and 0.00006; TOPMed 0.00001.
gnomAD v4.1: 84 of 1,614,106 alleles (0.0052%); highest among the groups gnomAD compares: African/African-American, 0.008%; no homozygotes.

Submissions (2):

Labcorp Genetics (formerly Invitae), Labcorp
Classification: Uncertain significance. Last evaluated: 2025-10-01. Review status: criteria provided, single submitter. Criteria: Invitae Variant Classification Sherloc (09022015). Collection method: clinical testing. Allele origin: germline.
Comment: This sequence change replaces valine, which is neutral and non-polar, with isoleucine, which is neutral and non-polar, at codon 1276 of the KMT2A protein (p.Val1276Ile). This variant is present in population databases (rs781925449, gnomAD 0.007%). This variant has not been reported in the literature in individuals affected with KMT2A-related conditions. ClinVar contains an entry for this variant (Variation ID: 1436012). Invitae Evidence Modeling of protein sequence and biophysical properties (such as structural, functional, and spatial information, amino acid conservation, physicochemical variation, residue mobility, and thermodynamic stability) indicates that this missense variant is not expected to disrupt KMT2A protein function with a negative predictive value of 95%. In summary, the available evidence is currently insufficient to determine the role of this variant in disease. Therefore, it has been classified as a Variant of Uncertain Significance.

Ambry Genetics
Classification: Likely benign for Inborn genetic diseases. Last evaluated: 2025-02-01. Review status: criteria provided, single submitter. Criteria: Ambry Variant Classification Scheme 2023. Collection method: clinical testing. Allele origin: germline.

NM_001197104.2(KMT2A):c.3826G>A (p.Val1276Ile)

Gene: KMT2A (lysine methyltransferase 2A; plus strand). Cytogenetic location: 11q23.3.
Variant type: single nucleotide variant.
Coding change: c.3826G>A on transcript NM_001197104.2 (MANE Select); coding-DNA position 3826, G replaced by A.
Protein change: p.Val1276Ile; replaces valine 1276 with isoleucine.
Molecular consequence: missense variant.
Genome position (GRCh38, 1-based): chr11:118,481,906, G>A. VCF-style: chr11-118481906-G-A. GRCh37 (hg19) VCF-style: chr11-118352621-G-A.
Other names: c.3826G>A, p.Val1276Ile (NM_005933.4); c.3826G>A (NM_001197104.1); short protein forms V1276I.
Identifiers: ClinVar variation 1436012 (VCV001436012.9), dbSNP rs781925449, ClinGen allele CA6303734.
Genomic context (GRCh38, chr11:118,481,906, plus strand): 5'-AAAAGCAGTAGTGAGCCTCCTCCACGAAAGCCCGTCGAGGAAAAGAGTGAAGAAGGGAAT[G>A]TCTCGGCCCCTGGGCCTGAATCCAAACAGGCCACCACTCCAGCTTCCAGGAAGTCAAGCA-3'
Protein context (NP_001184033.1, residues 1266-1286): PVEEKSEEGN[Val1276Ile]SAPGPESKQA